The following is an entry in ClinVar:

ClinVar aggregate classification (germline): Conflicting classifications of pathogenicity. Review status: criteria provided, conflicting classifications (1 of 4 stars). 2 submissions from 2 submitters: Uncertain significance (1); Likely benign (1). Last evaluated 2025-12-01.

Conditions:
Inborn genetic diseases. Identifiers: MedGen C0950123, MeSH D030342.

Allele frequency attached by ClinVar (database versions not stated): gnomAD 0.00005; ExAC 0.00008; gnomAD exomes 0.00004; ESP Exome Variant Server 0.00008; 1000 Genomes Project 30x 0.00016; TOPMed 0.00003; 1000 Genomes Project 0.00020.
gnomAD v4.1: 61 of 1,612,496 alleles (0.0038%); highest among the groups gnomAD compares: Middle Eastern, 0.033%; no homozygotes.

Submissions (2):

Labcorp Genetics (formerly Invitae), Labcorp
Classification: Uncertain significance. Last evaluated: 2025-12-01. Review status: criteria provided, single submitter. Criteria: Invitae Variant Classification Sherloc (09022015). Collection method: clinical testing. Allele origin: germline.
Comment: This sequence change replaces serine, which is neutral and polar, with asparagine, which is neutral and polar, at codon 1253 of the FOCAD protein (p.Ser1253Asn). This variant is present in population databases (rs148495154, gnomAD 0.009%). This variant has not been reported in the literature in individuals affected with FOCAD-related conditions. ClinVar contains an entry for this variant (Variation ID: 2359417). Experimental studies and prediction algorithms are not available or were not evaluated, and the functional significance of this variant is currently unknown. In summary, the available evidence is currently insufficient to determine the role of this variant in disease. Therefore, it has been classified as a Variant of Uncertain Significance.

Ambry Genetics
Classification: Likely benign for Inborn genetic diseases. Last evaluated: 2022-10-03. Review status: criteria provided, single submitter. Criteria: Ambry Variant Classification Scheme 2023. Collection method: clinical testing. Allele origin: germline.

NM_001375567.1(FOCAD):c.3758G>A (p.Ser1253Asn)

Gene: FOCAD (focadhesin; plus strand). Cytogenetic location: 9p21.3.
Variant type: single nucleotide variant.
Coding change: c.3758G>A on transcript NM_001375567.1 (MANE Select); coding-DNA position 3758, G replaced by A.
Protein change: p.Ser1253Asn; replaces serine 1253 with asparagine.
Molecular consequence: missense variant.
Genome position (GRCh38, 1-based): chr9:20,948,353, G>A. VCF-style: chr9-20948353-G-A. GRCh37 (hg19) VCF-style: chr9-20948352-G-A.
Other names: c.3653G>A, p.Ser1218Asn (NM_001375568.1, NM_001375570.1); c.3758G>A, p.Ser1253Asn (NM_017794.5); short protein forms S1218N, S1253N.
Identifiers: ClinVar variation 2359417 (VCV002359417.5), dbSNP rs148495154, ClinGen allele CA5007679.